The following is an entry in ClinVar:

NM_000548.5(TSC2):c.4381T>A (p.Tyr1461Asn)

Gene: TSC2 (TSC complex subunit 2; plus strand). Cytogenetic location: 16p13.3.
Variant type: single nucleotide variant.
Coding change: c.4381T>A on transcript NM_000548.5 (MANE Select); coding-DNA position 4381, T replaced by A.
Protein change: p.Tyr1461Asn; replaces tyrosine 1461 with asparagine.
Molecular consequence: missense variant. On other transcripts: non-coding transcript variant (5).
Genome position (GRCh38, 1-based): chr16:2,084,603, T>A. VCF-style: chr16-2084603-T-A. GRCh37 (hg19) VCF-style: chr16-2134604-T-A.
Other names: c.4180T>A, p.Tyr1394Asn (NM_001077183.3); c.4312T>A, p.Tyr1438Asn (NM_001114382.3); c.4072T>A, p.Tyr1358Asn (NM_001318827.2); c.4036T>A, p.Tyr1346Asn (NM_001318829.2); c.3649T>A, p.Tyr1217Asn (NM_001318831.2); c.4213T>A, p.Tyr1405Asn (NM_001318832.2); c.4183T>A, p.Tyr1395Asn (NM_001363528.2); c.4249T>A, p.Tyr1417Asn (NM_001370404.1); and 26 more; short protein forms Y1195N, Y1238N, Y1261N, Y1357N, Y1375N, Y1391N, Y860N, Y946N.
Identifiers: ClinVar variation 2564643 (VCV002564643.2), dbSNP rs2544282826, ClinGen allele CA394301829.

ClinVar aggregate classification (germline): Uncertain significance (1 of 4 stars; one submission).

Conditions:
Hereditary cancer-predisposing syndrome. Also called: Neoplastic Syndromes, Hereditary; Hereditary Cancer Syndrome; Hereditary neoplastic syndrome; Tumor predisposition. Identifiers: Orphanet 140162, MedGen C0027672, MeSH D009386, MONDO:0015356.

Submission:

Ambry Genetics
Classification: Uncertain significance for Hereditary cancer-predisposing syndrome. Last evaluated: 2023-05-01. Review status: criteria provided, single submitter. Criteria: Ambry Variant Classification Scheme 2023. Collection method: clinical testing. Allele origin: germline.
Comment: The p.Y1461N variant (also known as c.4381T>A), located in coding exon 33 of the TSC2 gene, results from a T to A substitution at nucleotide position 4381. The tyrosine at codon 1461 is replaced by asparagine, an amino acid with dissimilar properties. This amino acid position is well conserved in available vertebrate species. In silico splice site analysis predicts that this alteration will result in the creation or strengthening of a novel splice donor site, however RNA studies have demonstrated that this alteration does not result in abnormal splicing in the set of samples tested (Ambry internal data). In addition, as a missense alteration, this variant is predicted to be tolerated by in silico analysis. Since supporting evidence is limited at this time, the clinical significance of this alteration remains unclear.